The following is an entry in ClinVar:

NM_138927.4(SON):c.4895dup (p.Leu1632fs)

Gene: SON (SON DNA and RNA binding protein; plus strand). Cytogenetic location: 21q22.11.
Variant type: Duplication.
Coding change: c.4895dup on transcript NM_138927.4 (MANE Select); coding-DNA position 4895, one base duplicated (T; older notation c.4895dupT).
Protein change: p.Leu1632fs; shifts the reading frame from leucine 1632.
Molecular consequence: frameshift variant. On other transcripts: non-coding transcript variant (1), intron variant (1).
Genome position (GRCh38, 1-based): chr21:33,554,126, T duplicated; the last of 3 consecutive T bases (chr21:33,554,124-33,554,126); duplicating any one gives the same sequence. VCF-style (leftmost placement, unchanged base first): chr21-33554123-C-CT. GRCh37 (hg19) VCF-style: chr21-34926429-C-CT.
Other names: c.4895dup, p.Leu1632fs (NM_001291411.2, NM_032195.3); c.245-3030dup (NM_001291412.3); short protein forms L1632fs.
Identifiers: ClinVar variation 3775274 (VCV003775274.1).

ClinVar aggregate classification (germline): Likely pathogenic (1 of 4 stars; one submission).

Conditions:
ZTTK syndrome (ZTTKS). Also called: ZTTK MULTIPLE CONGENITAL ANOMALIES-MENTAL RETARDATION SYNDROME; Zhu-Tokita-Takenouchi-Kim Syndrome. Identifiers: Orphanet 500150, MedGen C4310696, MONDO:0014936, OMIM 617140.

Submission:

3billion
Classification: Likely pathogenic for ZTTK syndrome. Last evaluated: 2023-11-10. Review status: criteria provided, single submitter. Criteria: ACMG Guidelines, 2015. Collection method: clinical testing. Allele origin: germline. Affected: yes.
Comment: The variant is not observed in the gnomAD v2.1.1 dataset. Predicted Consequence/Location: Frameshift: predicted to result in a loss or disruption of normal protein function through nonsense-mediated decay (NMD) or protein truncation. Multiple pathogenic variants are reported downstream of the variant. Therefore, this variant is classified as Likely pathogenic according to the recommendation of ACMG/AMP guideline.